The following is an entry in ClinVar:

NM_000625.4(NOS2):c.1823C>T (p.Ser608Leu)

Gene: NOS2 (nitric oxide synthase 2; minus strand). Cytogenetic location: 17q11.2.
Variant type: single nucleotide variant.
Coding change: c.1823C>T on transcript NM_000625.4 (MANE Select); coding-DNA position 1823, C replaced by T.
Protein change: p.Ser608Leu; replaces serine 608 with leucine.
Molecular consequence: missense variant.
Genome position (GRCh38, 1-based): chr17:27,769,571, G>A on the plus strand (C>T on the coding strand, the complement: NOS2 is on the minus strand). VCF-style: chr17-27769571-G-A. GRCh37 (hg19) VCF-style: chr17-26096597-G-A.
Other names: short protein forms S608L.
Identifiers: ClinVar variation 2688228 (VCV002688228.4), dbSNP rs2297518, ClinGen allele CA8454610.

ClinVar aggregate classification (germline): Benign. Review status: criteria provided, single submitter (1 of 4 stars). 2 submissions from 2 submitters: Benign (1). 1 of the submissions does not count toward it. Last evaluated 2024-01-24.

Conditions:
NOS2-related disorder. Also called: NOS2-related condition.

Allele frequency attached by ClinVar (database versions not stated): 1000 Genomes Project 30x 0.16146; 1000 Genomes Project 0.16534; ESP Exome Variant Server 0.16761; gnomAD 0.16979; TOPMed 0.17013; ExAC 0.17773.
gnomAD v4.1: 295,315 of 1,608,552 alleles (18%); highest among the groups gnomAD compares: Middle Eastern, 23%; 28,406 homozygotes.

Submissions (2):

Unidad de Genómica Garrahan, Hospital de Pediatría Garrahan
Classification: Benign. Last evaluated: 2024-01-24. Review status: criteria provided, single submitter. Criteria: ACMG Guidelines, 2015. Collection method: clinical testing. Allele origin: germline. Affected: no. Observed: 30 variant alleles.
Comment: This variant is classified as Benign based on local population frequency. This variant was detected in 32% of patients studied by a panel of primary immunodeficiencies. Number of patients: 30. Only high quality variants are reported.

PreventionGenetics, part of Exact Sciences
Classification: Benign for NOS2-related condition. Last evaluated: 2019-11-04. Review status: no assertion criteria provided. Collection method: clinical testing. Allele origin: germline. Not counted in ClinVar's aggregate classification.
Comment: This variant is classified as benign based on ACMG/AMP sequence variant interpretation guidelines (Richards et al. 2015 PMID: 25741868, with internal and published modifications).